The following is an entry in ClinVar:

ClinVar aggregate classification (germline): Pathogenic/Likely pathogenic. Review status: criteria provided, multiple submitters, no conflicts (2 of 4 stars). 10 submissions from 10 submitters: Pathogenic (7); Likely pathogenic (1). 2 of the submissions do not count toward it. Last evaluated 2026-02-03.

Conditions:
Hereditary cancer-predisposing syndrome. Also called: Neoplastic Syndromes, Hereditary; Tumor predisposition; Hereditary Cancer Syndrome; Hereditary neoplastic syndrome. Identifiers: Orphanet 140162, MedGen C0027672, MeSH D009386, MONDO:0015356.
Gastrointestinal stromal tumor. Also called: Gastrointestinal stromal tumor, somatic; Gastrointestinal stroma tumor. Identifiers: Orphanet 44890, MedGen C0238198, MeSH D046152, MONDO:0011719, OMIM 606764, HP:0100723.
Pheochromocytoma/paraganglioma syndrome 3. Also called: Paragangliomas 3; GLOMUS TUMORS, FAMILIAL, 3; SDHC-Related Hereditary Paraganglioma-Pheochromocytoma Syndrome (Paragangliomas 3); SDHC-Related Hereditary Paraganglioma-Pheochromocytoma Syndrome. Identifiers: Orphanet 29072, MedGen C1854336, MONDO:0011544, OMIM 605373.
Hereditary pheochromocytoma and paraganglioma. Also called: Hereditary paragangliomas and pheochromocytomas; Hereditary Paraganglioma-Pheochromocytoma Syndromes; Hereditary pheochromocytoma-paraganglioma. Identifiers: Orphanet 29072, MedGen C4274332, MONDO:0017366.

Allele frequency attached by ClinVar (database versions not stated): ExAC 0.00001; gnomAD exomes 0.00001.
gnomAD v4.1: 3 of 1,613,922 alleles (0.00019%); highest among the groups gnomAD compares: Non-Finnish European, 0.00025%; no homozygotes.

Submissions (10):

Labcorp Genetics (formerly Invitae), Labcorp
Classification: Pathogenic for Pheochromocytoma/paraganglioma syndrome 3; Gastrointestinal stromal tumor. Last evaluated: 2026-02-03. Review status: criteria provided, single submitter. Criteria: Invitae Variant Classification Sherloc (09022015). Collection method: clinical testing. Allele origin: germline.
Comment: This sequence change affects a donor splice site in intron 5 of the SDHC gene. RNA analysis indicates that disruption of this splice site induces altered splicing and likely disrupts the C-terminus of the protein. This variant is present in population databases (rs587776653, gnomAD 0.002%). Disruption of this splice site has been observed in individuals with paraganglioma or gastrointestinal stromal tumor (PMID: 12658451, 16249420, 22517554). ClinVar contains an entry for this variant (Variation ID: 7242). Variants that disrupt the consensus splice site are a relatively common cause of aberrant splicing (PMID: 17576681, 9536098). Studies have shown that disruption of this splice site results in skipping of exon 5 and introduces a new termination codon (PMID: 12658451; internal data). However the mRNA is not expected to undergo nonsense-mediated decay. For these reasons, this variant has been classified as Pathogenic.

GeneDx
Classification: Pathogenic. Last evaluated: 2025-10-28. Review status: criteria provided, single submitter. Criteria: GeneDx Variant Classification Process June 2021. Collection method: clinical testing. Allele origin: germline. Affected: yes.
Comment: Canonical splice site variant predicted to result in a null allele in a gene for which loss of function is a known mechanism of disease; Not observed at significant frequency in large population cohorts (gnomAD); This variant is associated with the following publications: (PMID: 25525159, 36387130, 22517554, 16249420, 32621582, 25808178, 12658451, 17667967, 24402737, 17804857, 24758179, 26173966)

Myriad Genetics, Inc.
Classification: Pathogenic for Pheochromocytoma/paraganglioma syndrome 3. Last evaluated: 2024-08-26. Review status: criteria provided, single submitter. Criteria: Myriad Autosomal Dominant, Autosomal Recessive and X-Linked Classification Criteria (2023). Collection method: clinical testing. Allele origin: unknown.
Comment: This variant is considered pathogenic. This variant occurs within a consensus splice junction and is predicted to result in abnormal mRNA splicing of either an out-of-frame exon or an in-frame exon necessary for protein stability and/or normal function. This variant has been reported in multiple individuals with clinical features of gene-specific disease [PMID: 12658451, 26173966, 17667967, 24758179, 24402737].

All of Us Research Program, National Institutes of Health
Classification: Pathogenic for Hereditary pheochromocytoma and paraganglioma. Last evaluated: 2024-06-09. Review status: criteria provided, single submitter. Criteria: ACMG Guidelines, 2015. Collection method: clinical testing. Allele origin: germline. Inheritance: Autosomal dominant inheritance. Observed: 2 variant alleles, 2 heterozygotes.
Comment: This variant causes a G>T nucleotide substitution at the +1 position of intron 5 of the SDHC gene. Splice site prediction tools suggest that this variant may have a significant impact on RNA splicing. RNA studies have shown that this variant causes out-of-frame skipping of exon 5 resulting in premature truncation. This variant has been reported in individuals affected with paraganglioma and/or pheochromocytoma (PMID: 12658451, 16249420, 17804857, 22517554). This variant has been identified in 2/249048 chromosomes in the general population by the Genome Aggregation Database (gnomAD). Loss of SDHC function is a known mechanism of disease. Based on the available evidence, this variant is classified as Pathogenic.

This study involves interpretation of variants in research participants for the purpose of population health screening. Participant phenotype was not available at the time of variant classification. Additional details can be found in publication PMID: 35346344, PMCID: PMC8962531

Color Diagnostics, LLC DBA Color Health
Classification: Pathogenic for Hereditary pheochromocytoma and paraganglioma. Last evaluated: 2024-03-11. Review status: criteria provided, single submitter. Criteria: ACMG Guidelines, 2015. Collection method: clinical testing. Allele origin: germline.
Comment: This variant causes a G>T nucleotide substitution at the +1 position of intron 5 of the SDHC gene. Splice site prediction tools suggest that this variant may have a significant impact on RNA splicing. RNA studies have shown that this variant causes out-of-frame skipping of exon 5 resulting in premature truncation. This variant has been reported in individuals affected with paraganglioma and/or pheochromocytoma (PMID: 12658451, 16249420, 17804857, 22517554). This variant has been identified in 2/249048 chromosomes in the general population by the Genome Aggregation Database (gnomAD). Loss of SDHC function is a known mechanism of disease. Based on the available evidence, this variant is classified as Pathogenic.

CeGaT Center for Human Genetics Tuebingen
Classification: Likely pathogenic. Last evaluated: 2024-03-01. Review status: criteria provided, single submitter. Criteria: CeGaT Center For Human Genetics Tuebingen Variant Classification Criteria Version 2. Collection method: clinical testing. Allele origin: germline. Affected: yes. Observed: 2 variant alleles.
Comment: SDHC: PVS1:Strong, PM2, PS4:Moderate, PS3:Supporting

Ambry Genetics
Classification: Pathogenic for Hereditary cancer-predisposing syndrome. Last evaluated: 2023-12-28. Review status: criteria provided, single submitter. Criteria: Ambry Variant Classification Scheme 2023. Collection method: clinical testing. Allele origin: germline.
Comment: The c.405+1G>T intronic pathogenic mutation results from a G to T substitution one nucleotide after coding exon 5 of the SDHC gene. This mutation has been reported in multiple individuals diagnosed with a head and neck paraganglioma (Niemann S et al. Hum. Genet., 2003 Jul;113:92-4; Schiavi F et al. JAMA, 2005 Oct;294:2057-63; Lefebvre S et al. Horm Metab Res, 2012 May;44:334-8). This variant is considered to be rare based on population cohorts in the Genome Aggregation Database (gnomAD). This nucleotide position is highly conserved in available vertebrate species. In silico splice site analysis predicts that this alteration will weaken the native splice donor site. RNA studies have demonstrated that this alteration results in abnormal splicing in the set of samples tested (Ambry internal data). Based on the supporting evidence, this alteration is interpreted as a disease-causing mutation.

Institute of Human Genetics, University Hospital of Duesseldorf
Classification: Pathogenic for Pheochromocytoma/paraganglioma syndrome 3. Review status: criteria provided, single submitter. Criteria: ACMG Guidelines, 2015. Collection method: not provided. Allele origin: germline. Inheritance: Autosomal dominant inheritance. Affected: yes.

Gharavi Laboratory, Columbia University
Classification: Likely pathogenic. Last evaluated: 2018-09-16. Review status: no assertion criteria provided. Criteria: ACMG Guidelines, 2015. Collection method: research. Allele origin: germline. Affected: yes. Not counted in ClinVar's aggregate classification.

OMIM
Classification: Pathogenic for PHEOCHROMOCYTOMA/PARAGANGLIOMA SYNDROME 3. Last evaluated: 2000-11-01. Review status: no assertion criteria provided. Collection method: literature only. Allele origin: germline. Not counted in ClinVar's aggregate classification.

Literature cited by the submitters: PubMed 12658451 (cited by 5 submitters); PubMed 16249420 (cited by 4 submitters); PubMed 22517554 (cited by 4 submitters); PubMed 17576681 (cited by Labcorp Genetics (formerly Invitae), Labcorp); PubMed 9536098 (cited by Labcorp Genetics (formerly Invitae), Labcorp); PubMed 26173966 (cited by Myriad Genetics, Inc.); PubMed 17667967 (cited by Myriad Genetics, Inc.); PubMed 24758179 (cited by Myriad Genetics, Inc.); PubMed 24402737 (cited by Myriad Genetics, Inc.); PubMed 17804857 (cited by All of Us Research Program, National Institutes of Health and Color Diagnostics, LLC DBA Color Health); PubMed 11062460 (cited by OMIM).

NM_003001.5(SDHC):c.405+1G>T

Gene: SDHC (succinate dehydrogenase complex subunit C; plus strand). Cytogenetic location: 1q23.3.
Variant type: single nucleotide variant.
Coding change: c.405+1G>T on transcript NM_003001.5 (MANE Select); the canonical splice donor site of the intron after coding-DNA position 405, G replaced by T.
Molecular consequence: splice donor variant. On other transcripts: intron variant (3).
Genome position (GRCh38, 1-based): chr1:161,356,841, G>T. VCF-style: chr1-161356841-G-T. GRCh37 (hg19) VCF-style: chr1-161326631-G-T.
Other names: IVS5, G-T, +1; c.294+1G>T (NM_001407119.1, NM_001407120.1); c.525+1G>T (NM_001407115.1); c.242-5488G>T (NM_001035511.3); c.303+1G>T (NM_001035512.3); c.140-5488G>T (NM_001278172.3); c.297+1G>T (NM_001407118.1); c.348+1G>T (NM_001407116.1); and 3 more.
Identifiers: ClinVar variation 7242 (VCV000007242.56), dbSNP rs587776653, ClinGen allele CA011403.
Genomic context (GRCh38, chr1:161,356,841, plus strand): 5'-GCTAAGTTTGCACTTGTCTTCCCTCTCATGTATCATACCTGGAATGGGATCCGACACTTG[G>T]TAAGTTAATTCGGGATTTGCACATTTTCTCTGTGAAGGGAGTGGGGAGACTGGGAGGATT-3'